The following is an entry in ClinVar:

NM_000521.3(HEXB):c.-382T>G

Gene: HEXB (hexosaminidase subunit beta; plus strand). Cytogenetic location: 5q13.3.
Variant type: single nucleotide variant.
Coding change: c.-382T>G on transcript NM_000521.3; 382 bases upstream of the start codon, T replaced by G.
Molecular consequence: intron variant (on NM_001292004.2).
Genome position (GRCh38, 1-based): chr5:74,684,879, T>G. VCF-style: chr5-74684879-T-G. GRCh37 (hg19) VCF-style: chr5-73980704-T-G.
Other names: c.-376-4449T>G (NM_001292004.2).
Identifiers: ClinVar variation 680595 (VCV000680595.3), dbSNP rs2593642, ClinGen allele CA12054921.

ClinVar aggregate classification (germline): Benign (1 of 4 stars; one submission).

Allele frequency attached by ClinVar (database versions not stated): 1000 Genomes Project 30x 0.47751; 1000 Genomes Project 0.47704; TOPMed 0.50734; gnomAD 0.52816 and 0.52817.
gnomAD v4.1: 79,904 of 151,382 alleles (53%); highest among the groups gnomAD compares: Non-Finnish European, 57%; 21,510 homozygotes.

Submission:

GeneDx
Classification: Benign. Last evaluated: 2018-06-19. Review status: criteria provided, single submitter. Criteria: GeneDx Variant Classification (06012015). Collection method: clinical testing. Allele origin: germline. Affected: yes.
Comment: This variant is considered likely benign or benign based on one or more of the following criteria: it is a conservative change, it occurs at a poorly conserved position in the protein, it is predicted to be benign by multiple in silico algorithms, and/or has population frequency not consistent with disease.